The following is an entry in ClinVar:

NM_004360.5(CDH1):c.163+10C>G

Gene: CDH1 (cadherin 1; plus strand). Cytogenetic location: 16q22.1.
Variant type: single nucleotide variant.
Coding change: c.163+10C>G on transcript NM_004360.5 (MANE Select); 10 bases into the intron after coding-DNA position 163, C replaced by G.
Molecular consequence: intron variant.
Genome position (GRCh38, 1-based): chr16:68,738,421, C>G. VCF-style: chr16-68738421-C-G. GRCh37 (hg19) VCF-style: chr16-68772324-C-G.
Other names: c.-1453+10C>G (NM_001317185.2); c.-1657+10C>G (NM_001317186.2); c.163+10C>G (NM_001317184.2).
Identifiers: ClinVar variation 3379053 (VCV003379053.1).

ClinVar aggregate classification (germline): Likely benign (1 of 4 stars; one submission).

Conditions:
Hereditary diffuse gastric adenocarcinoma (HDGC). Also called: DIFFUSE GASTRIC AND LOBULAR BREAST CANCER SYNDROME. Identifiers: Orphanet 26106, MedGen C1708349, MONDO:0007648, OMIM 137215.

Submission:

Myriad Genetics, Inc.
Classification: Likely benign for Hereditary diffuse gastric adenocarcinoma. Last evaluated: 2024-09-11. Review status: criteria provided, single submitter. Criteria: Myriad Autosomal Dominant, Autosomal Recessive and X-Linked Classification Criteria (2023). Collection method: clinical testing. Allele origin: unknown.
Comment: This variant is considered likely benign. This variant is intronic and is not expected to impact mRNA splicing.